The following is an entry in ClinVar:

ClinVar aggregate classification (germline): Uncertain significance. Review status: criteria provided, multiple submitters, no conflicts (2 of 4 stars). 3 submissions from 3 submitters: Uncertain significance (3). Last evaluated 2025-08-31.

Conditions:
Cardiovascular phenotype. Identifiers: MedGen CN230736.
Dilated cardiomyopathy 1W (CMD1W). Identifiers: Orphanet 154, MedGen C1969639, MONDO:0012667, OMIM 611407.

Allele frequency attached by ClinVar (database versions not stated): gnomAD exomes below 0.00001; TOPMed below 0.00001.
gnomAD v4.1: 2 of 1,614,046 alleles (0.00012%); highest among the groups gnomAD compares: Non-Finnish European, 0.00017%; no homozygotes.

Submissions (3):

Ambry Genetics
Classification: Uncertain significance for Cardiovascular phenotype. Last evaluated: 2025-08-31. Review status: criteria provided, single submitter. Criteria: Ambry Variant Classification Scheme 2023. Collection method: clinical testing. Allele origin: germline.
Comment: The p.R246C variant (also known as c.736C>T), located in coding exon 6 of the VCL gene, results from a C to T substitution at nucleotide position 736. The arginine at codon 246 is replaced by cysteine, an amino acid with highly dissimilar properties. This amino acid position is conserved. In addition, the in silico prediction for this alteration is inconclusive. Based on the available evidence, the clinical significance of this variant remains unclear.

GeneDx
Classification: Uncertain significance. Last evaluated: 2025-06-09. Review status: criteria provided, single submitter. Criteria: GeneDx Variant Classification Process June 2021. Collection method: clinical testing. Allele origin: germline. Affected: yes.
Comment: Not observed at significant frequency in large population cohorts (gnomAD); In silico analysis supports that this missense variant has a deleterious effect on protein structure/function; Has not been previously published as pathogenic or benign to our knowledge

Labcorp Genetics (formerly Invitae), Labcorp
Classification: Uncertain significance for Dilated cardiomyopathy 1W. Last evaluated: 2025-04-03. Review status: criteria provided, single submitter. Criteria: Invitae Variant Classification Sherloc (09022015). Collection method: clinical testing. Allele origin: germline.
Comment: This sequence change replaces arginine, which is basic and polar, with cysteine, which is neutral and slightly polar, at codon 246 of the VCL protein (p.Arg246Cys). This variant is not present in population databases (gnomAD no frequency). This variant has not been reported in the literature in individuals affected with VCL-related conditions. ClinVar contains an entry for this variant (Variation ID: 202165). An algorithm developed to predict the effect of missense changes on protein structure and function (PolyPhen-2) suggests that this variant is likely to be disruptive. In summary, the available evidence is currently insufficient to determine the role of this variant in disease. Therefore, it has been classified as a Variant of Uncertain Significance.

NM_014000.3(VCL):c.736C>T (p.Arg246Cys)

Gene: VCL (vinculin; plus strand). Cytogenetic location: 10q22.2.
Variant type: single nucleotide variant.
Coding change: c.736C>T on transcript NM_014000.3 (MANE Select); coding-DNA position 736, C replaced by T.
Protein change: p.Arg246Cys; replaces arginine 246 with cysteine.
Molecular consequence: missense variant.
Genome position (GRCh38, 1-based): chr10:74,074,856, C>T. VCF-style: chr10-74074856-C-T. GRCh37 (hg19) VCF-style: chr10-75834614-C-T.
Other names: p.R246C:CGT>TGT; c.736C>T, p.Arg246Cys (NM_003373.4); short protein forms R246C.
Identifiers: ClinVar variation 202165 (VCV000202165.8), dbSNP rs794729194, ClinGen allele CA335647.